The following is an entry in ClinVar:

NM_018670.4(MESP1):c.560G>T (p.Arg187Leu)

Genes: MESP1 (mesoderm posterior bHLH transcription factor 1; minus strand), LOC130057888 (ATAC-STARR-seq lymphoblastoid silent region 6803; plus strand). Cytogenetic location: 15q26.1.
Variant type: single nucleotide variant.
Coding change: c.560G>T on transcript NM_018670.4 (MANE Select); coding-DNA position 560, G replaced by T.
Protein change: p.Arg187Leu; replaces arginine 187 with leucine.
Molecular consequence: missense variant.
Genome position (GRCh38, 1-based): chr15:89,750,672, C>A on the plus strand (G>T on the coding strand, the complement: MESP1 is on the minus strand). VCF-style: chr15-89750672-C-A. GRCh37 (hg19) VCF-style: chr15-90293903-C-A.
Other names: c.560G>T (NM_018670.3); short protein forms R187L.
Identifiers: ClinVar variation 2067619 (VCV002067619.6), dbSNP rs556672934, ClinGen allele CA274596872.

ClinVar aggregate classification (germline): Uncertain significance. Review status: criteria provided, multiple submitters, no conflicts (2 of 4 stars). 2 submissions from 2 submitters: Uncertain significance (2). Last evaluated 2025-11-26.

Allele frequency attached by ClinVar (database versions not stated): gnomAD 0.00056; gnomAD exomes 0.00003; 1000 Genomes Project 0.00020; TOPMed 0.00070.
gnomAD v4.1: 132 of 1,356,610 alleles (0.0097%); highest among the groups gnomAD compares: African/African-American, 0.17%; 2 homozygotes.

Submissions (2):

Ambry Genetics
Classification: Uncertain significance. Last evaluated: 2025-11-26. Review status: criteria provided, single submitter. Criteria: Ambry Variant Classification Scheme 2023. Collection method: clinical testing. Allele origin: germline.

Labcorp Genetics (formerly Invitae), Labcorp
Classification: Uncertain significance. Last evaluated: 2022-07-11. Review status: criteria provided, single submitter. Criteria: Invitae Variant Classification Sherloc (09022015). Collection method: clinical testing. Allele origin: germline.
Comment: In summary, the available evidence is currently insufficient to determine the role of this variant in disease. Therefore, it has been classified as a Variant of Uncertain Significance. Algorithms developed to predict the effect of missense changes on protein structure and function (SIFT, PolyPhen-2, Align-GVGD) all suggest that this variant is likely to be tolerated. This variant has not been reported in the literature in individuals affected with MESP1-related conditions. This variant is present in population databases (rs556672934, gnomAD 0.2%), and has an allele count higher than expected for a pathogenic variant. This sequence change replaces arginine, which is basic and polar, with leucine, which is neutral and non-polar, at codon 187 of the MESP1 protein (p.Arg187Leu).